The following is an entry in ClinVar:

NM_001349253.2(SCN11A):c.4393G>A (p.Val1465Ile)

Gene: SCN11A (sodium voltage-gated channel alpha subunit 11; minus strand). Cytogenetic location: 3p22.2.
Variant type: single nucleotide variant.
Coding change: c.4393G>A on transcript NM_001349253.2 (MANE Select); coding-DNA position 4393, G replaced by A.
Protein change: p.Val1465Ile; replaces valine 1465 with isoleucine.
Molecular consequence: missense variant.
Genome position (GRCh38, 1-based): chr3:38,847,677, C>T on the plus strand (G>A on the coding strand, the complement: SCN11A is on the minus strand). VCF-style: chr3-38847677-C-T. GRCh37 (hg19) VCF-style: chr3-38889168-C-T.
Other names: c.4393G>A, p.Val1465Ile (NM_014139.3); short protein forms V1465I.
Identifiers: ClinVar variation 4794039 (VCV004794039.1).
Genomic context (GRCh38, chr3:38,847,677, plus strand): 5'-TCCTGATTCCTCGTGCAGCCCGGACAAGCCTCAGGATTCGGCCAATCCGAGCCAAGCGGA[C>T]AATTCTGAAGAGCGTCGGAGGGAAAGGAATGTGCTCCTGATTTTCCAAGGTAGAAATCAT-3'
Protein context (NP_001336182.1, residues 1455-1475): IPFPPTLFRI[Val1465Ile]RLARIGRILR

ClinVar aggregate classification (germline): Uncertain significance (1 of 4 stars; one submission).

Conditions:
Familial episodic pain syndrome with predominantly lower limb involvement. Also called: Episodic pain syndrome, familial, 3. Identifiers: Orphanet 391384, Orphanet 391392, MedGen C3809899, MONDO:0014247, OMIM 615552.
Hereditary sensory and autonomic neuropathy type 7. Also called: Neuropathy, hereditary sensory and autonomic, type VII; HSAN VII. Identifiers: Orphanet 391397, MedGen C3809882, MONDO:0014244, OMIM 615548.

Submission:

Labcorp Genetics (formerly Invitae), Labcorp
Classification: Uncertain significance for Familial episodic pain syndrome with predominantly lower limb involvement; Hereditary sensory and autonomic neuropathy type 7. Last evaluated: 2025-10-07. Review status: criteria provided, single submitter. Criteria: Invitae Variant Classification Sherloc (09022015). Collection method: clinical testing. Allele origin: germline.
Comment: This sequence change replaces valine, which is neutral and non-polar, with isoleucine, which is neutral and non-polar, at codon 1465 of the SCN11A protein (p.Val1465Ile). This variant is not present in population databases (gnomAD no frequency). This variant has not been reported in the literature in individuals affected with SCN11A-related conditions. Invitae Evidence Modeling of protein sequence and biophysical properties (such as structural, functional, and spatial information, amino acid conservation, physicochemical variation, residue mobility, and thermodynamic stability) indicates that this missense variant is not expected to disrupt SCN11A protein function with a negative predictive value of 80%. In summary, the available evidence is currently insufficient to determine the role of this variant in disease. Therefore, it has been classified as a Variant of Uncertain Significance.